The following is an entry in ClinVar:

NM_024422.6(DSC2):c.631-3C>T

Gene: DSC2 (desmocollin 2; minus strand). Cytogenetic location: 18q12.1.
Variant type: single nucleotide variant.
Coding change: c.631-3C>T on transcript NM_024422.6 (MANE Select); 3 bases into the intron before coding-DNA position 631, C replaced by T.
Molecular consequence: intron variant.
Genome position (GRCh38, 1-based): chr18:31,087,816, G>A on the plus strand (C>T on the coding strand, the complement: DSC2 is on the minus strand). VCF-style: chr18-31087816-G-A. GRCh37 (hg19) VCF-style: chr18-28667779-G-A.
Other names: c.631-3C>T (NM_004949.5).
Identifiers: ClinVar variation 661363 (VCV000661363.8), dbSNP rs1262481741, ClinGen allele CA778398492.

ClinVar aggregate classification (germline): Uncertain significance (1 of 4 stars; one submission).

Conditions:
Arrhythmogenic right ventricular dysplasia 11. Also called: Arrhythmogenic right ventricular dysplasia 11 with mild palmoplantar keratoderma and woolly hair; Arrhythmogenic Right Ventricular Dysplasia/Cardiomyopathy11; ARRHYTHMOGENIC RIGHT VENTRICULAR DYSPLASIA, FAMILIAL, 11. Identifiers: MedGen C1864850, MONDO:0012506, OMIM 610476.

Allele frequency attached by ClinVar (database versions not stated): gnomAD 0.00001; gnomAD exomes below 0.00001; TOPMed below 0.00001.
gnomAD v4.1: 2 of 1,613,326 alleles (0.00012%); highest among the groups gnomAD compares: Non-Finnish European, 0.00017%; no homozygotes.

Submission:

Labcorp Genetics (formerly Invitae), Labcorp
Classification: Uncertain significance for Arrhythmogenic right ventricular dysplasia 11. Last evaluated: 2018-11-27. Review status: criteria provided, single submitter. Criteria: Invitae Variant Classification Sherloc (09022015). Collection method: clinical testing. Allele origin: germline.
Comment: This sequence change falls in intron 5 of the DSC2 gene. It does not directly change the encoded amino acid sequence of the DSC2 protein, but it affects a nucleotide within the consensus splice site of the intron. This variant is not present in population databases (ExAC no frequency). This variant has not been reported in the literature in individuals with DSC2-related conditions. Nucleotide substitutions within the consensus splice site are a relatively common cause of aberrant splicing (PMID: 17576681, 9536098). Algorithms developed to predict the effect of sequence changes on RNA splicing suggest that this variant is not likely to affect RNA splicing, but this prediction has not been confirmed by published transcriptional studies. In summary, the available evidence is currently insufficient to determine the role of this variant in disease. Therefore, it has been classified as a Variant of Uncertain Significance.

Literature cited by the submitters: PubMed 17576681; PubMed 9536098.